The following is an entry in ClinVar:

NM_007186.6(CEP250):c.5855C>G (p.Ser1952Cys)

Gene: CEP250 (centrosomal protein 250; plus strand). Cytogenetic location: 20q11.22.
Variant type: single nucleotide variant.
Coding change: c.5855C>G on transcript NM_007186.6 (MANE Select); coding-DNA position 5855, C replaced by G.
Protein change: p.Ser1952Cys; replaces serine 1952 with cysteine.
Molecular consequence: missense variant.
Genome position (GRCh38, 1-based): chr20:35,504,224, C>G. VCF-style: chr20-35504224-C-G. GRCh37 (hg19) VCF-style: chr20-34092052-C-G.
Other names: c.3959C>G, p.Ser1320Cys (NM_001318219.1); c.5855C>G (NM_007186.3); short protein forms S1320C, S1952C.
Identifiers: ClinVar variation 963902 (VCV000963902.6), dbSNP rs371486127, ClinGen allele CA9833945.

ClinVar aggregate classification (germline): Uncertain significance. Review status: criteria provided, multiple submitters, no conflicts (2 of 4 stars). 2 submissions from 2 submitters: Uncertain significance (2). Last evaluated 2023-08-04.

Allele frequency attached by ClinVar (database versions not stated): gnomAD exomes 0.00001; ExAC 0.00004; gnomAD 0.00006 and 0.00008; TOPMed 0.00006; ESP Exome Variant Server 0.00015.

Submissions (2):

Labcorp Genetics (formerly Invitae), Labcorp
Classification: Uncertain significance. Last evaluated: 2023-08-04. Review status: criteria provided, single submitter. Criteria: Invitae Variant Classification Sherloc (09022015). Collection method: clinical testing. Allele origin: germline.
Comment: This variant is present in population databases (rs371486127, gnomAD 0.02%). This sequence change replaces serine, which is neutral and polar, with cysteine, which is neutral and slightly polar, at codon 1952 of the CEP250 protein (p.Ser1952Cys). This variant has not been reported in the literature in individuals affected with CEP250-related conditions. ClinVar contains an entry for this variant (Variation ID: 963902). Algorithms developed to predict the effect of missense changes on protein structure and function output the following: SIFT: "Not Available"; PolyPhen-2: "Benign"; Align-GVGD: "Not Available". The cysteine amino acid residue is found in multiple mammalian species, which suggests that this missense change does not adversely affect protein function. In summary, the available evidence is currently insufficient to determine the role of this variant in disease. Therefore, it has been classified as a Variant of Uncertain Significance.

Ambry Genetics
Classification: Uncertain significance. Last evaluated: 2022-04-25. Review status: criteria provided, single submitter. Criteria: Ambry Variant Classification Scheme 2023. Collection method: clinical testing. Allele origin: germline.